The following is an entry in ClinVar:

NM_019074.4(DLL4):c.714G>T (p.Glu238Asp)

Gene: DLL4 (delta like canonical Notch ligand 4; plus strand). Cytogenetic location: 15q15.1.
Variant type: single nucleotide variant.
Coding change: c.714G>T on transcript NM_019074.4 (MANE Select); coding-DNA position 714, G replaced by T.
Protein change: p.Glu238Asp; replaces glutamic acid 238 with aspartic acid.
Molecular consequence: missense variant.
Genome position (GRCh38, 1-based): chr15:40,932,226, G>T. VCF-style: chr15-40932226-G-T. GRCh37 (hg19) VCF-style: chr15-41224424-G-T.
Other names: short protein forms E238D.
Identifiers: ClinVar variation 2880644 (VCV002880644.3), dbSNP rs2542544924, ClinGen allele CA391808250.

ClinVar aggregate classification (germline): Uncertain significance (1 of 4 stars; one submission).

Submission:

Labcorp Genetics (formerly Invitae), Labcorp
Classification: Uncertain significance. Last evaluated: 2025-09-02. Review status: criteria provided, single submitter. Criteria: Invitae Variant Classification Sherloc (09022015). Collection method: clinical testing. Allele origin: germline.
Comment: This sequence change replaces glutamic acid, which is acidic and polar, with aspartic acid, which is acidic and polar, at codon 238 of the DLL4 protein (p.Glu238Asp). This variant is not present in population databases (gnomAD no frequency). This variant has not been reported in the literature in individuals affected with DLL4-related conditions. ClinVar contains an entry for this variant (Variation ID: 2880644). Invitae Evidence Modeling of protein sequence and biophysical properties (such as structural, functional, and spatial information, amino acid conservation, physicochemical variation, residue mobility, and thermodynamic stability) indicates that this missense variant is not expected to disrupt DLL4 protein function with a negative predictive value of 80%. In summary, the available evidence is currently insufficient to determine the role of this variant in disease. Therefore, it has been classified as a Variant of Uncertain Significance.